The following is an entry in ClinVar:

NM_005431.2(XRCC2):c.17A>G (p.His6Arg)

Gene: XRCC2 (X-ray repair cross complementing 2; minus strand). Cytogenetic location: 7q36.1.
Variant type: single nucleotide variant.
Coding change: c.17A>G on transcript NM_005431.2 (MANE Select); coding-DNA position 17, A replaced by G.
Protein change: p.His6Arg; replaces histidine 6 with arginine.
Molecular consequence: missense variant.
Genome position (GRCh38, 1-based): chr7:152,676,063, T>C on the plus strand (A>G on the coding strand, the complement: XRCC2 is on the minus strand). VCF-style: chr7-152676063-T-C. GRCh37 (hg19) VCF-style: chr7-152373148-T-C.
Other names: short protein forms H6R.
Identifiers: ClinVar variation 1780348 (VCV001780348.3), dbSNP rs2485915656, ClinGen allele CA370199617.

ClinVar aggregate classification (germline): Conflicting classifications of pathogenicity. Review status: criteria provided, conflicting classifications (1 of 4 stars). 2 submissions from 2 submitters: Uncertain significance (1); Likely benign (1). Last evaluated 2025-06-30.

Conditions:
Hereditary cancer-predisposing syndrome. Also called: Neoplastic Syndromes, Hereditary; Tumor predisposition; Hereditary Cancer Syndrome; Hereditary neoplastic syndrome. Identifiers: Orphanet 140162, MedGen C0027672, MeSH D009386, MONDO:0015356.

Allele frequency attached by ClinVar (database versions not stated): gnomAD exomes below 0.00001.
gnomAD v4.1: 3 of 1,613,834 alleles (0.00019%); highest among the groups gnomAD compares: South Asian, 0.0022%; no homozygotes.

Submissions (2):

Quest Diagnostics Nichols Institute San Juan Capistrano
Classification: Uncertain significance. Last evaluated: 2025-06-30. Review status: criteria provided, single submitter. Criteria: Quest Diagnostics criteria. Collection method: clinical testing. Allele origin: unknown.
Comment: The XRCC2 c.17A>G (p.His6Arg) variant has not been reported in individuals with XRCC2-related conditions in the published literature. The frequency of this variant in the general population (Genome Aggregation Database) is uninformative in the assessment of its pathogenicity. Analysis of this variant using bioinformatics tools for the prediction of the effect of amino acid changes on protein structure and function yielded predictions that this variant is benign. Based on the available information, we are unable to determine the clinical significance of this variant.

Ambry Genetics
Classification: Likely benign for Hereditary cancer-predisposing syndrome. Last evaluated: 2024-03-29. Review status: criteria provided, single submitter. Criteria: Ambry Variant Classification Scheme 2023. Collection method: clinical testing. Allele origin: germline.